The following is an entry in ClinVar:

ClinVar aggregate classification (germline): Uncertain significance. Review status: criteria provided, multiple submitters, no conflicts (2 of 4 stars). 3 submissions from 3 submitters: Uncertain significance (3). Last evaluated 2025-03-17.

Conditions:
Hereditary cancer-predisposing syndrome. Also called: Hereditary neoplastic syndrome; Neoplastic Syndromes, Hereditary; Tumor predisposition; Hereditary Cancer Syndrome. Identifiers: Orphanet 140162, MedGen C0027672, MeSH D009386, MONDO:0015356.
Endometrial carcinoma. Also called: Endometrial carcinoma, somatic. Identifiers: MedGen C0476089, MONDO:0002447, OMIM 608089, HP:0012114.

gnomAD v4.1: 2 of 1,612,648 alleles (0.00012%); highest among the groups gnomAD compares: Admixed American, 0.0017%; no homozygotes.

Submissions (3):

Labcorp Genetics (formerly Invitae), Labcorp
Classification: Uncertain significance. Last evaluated: 2025-03-17. Review status: criteria provided, single submitter. Criteria: Invitae Variant Classification Sherloc (09022015). Collection method: clinical testing. Allele origin: germline.
Comment: This sequence change replaces methionine, which is neutral and non-polar, with lysine, which is basic and polar, at codon 554 of the MSH3 protein (p.Met554Lys). This variant is not present in population databases (gnomAD no frequency). This variant has not been reported in the literature in individuals affected with MSH3-related conditions. ClinVar contains an entry for this variant (Variation ID: 1004952). An algorithm developed to predict the effect of missense changes on protein structure and function outputs the following: PolyPhen-2: "Benign". The lysine amino acid residue is found in multiple mammalian species, which suggests that this missense change does not adversely affect protein function. In summary, the available evidence is currently insufficient to determine the role of this variant in disease. Therefore, it has been classified as a Variant of Uncertain Significance.

Baylor Genetics
Classification: Uncertain significance for Endometrial carcinoma. Last evaluated: 2023-12-02. Review status: criteria provided, single submitter. Criteria: ACMG Guidelines, 2015. Collection method: clinical testing. Allele origin: unknown.

Ambry Genetics
Classification: Uncertain significance for Hereditary cancer-predisposing syndrome. Last evaluated: 2023-09-14. Review status: criteria provided, single submitter. Criteria: Ambry Variant Classification Scheme 2023. Collection method: clinical testing. Allele origin: germline.
Comment: The p.M554K variant (also known as c.1661T>A), located in coding exon 12 of the MSH3 gene, results from a T to A substitution at nucleotide position 1661. The methionine at codon 554 is replaced by lysine, an amino acid with similar properties. This amino acid position is not well conserved in available vertebrate species. In addition, this alteration is predicted to be tolerated by in silico analysis. Since supporting evidence is limited at this time, the clinical significance of this alteration remains unclear.

NM_002439.5(MSH3):c.1661T>A (p.Met554Lys)

Gene: MSH3 (mutS homolog 3; plus strand). Cytogenetic location: 5q14.1.
Variant type: single nucleotide variant.
Coding change: c.1661T>A on transcript NM_002439.5 (MANE Select); coding-DNA position 1661, T replaced by A.
Protein change: p.Met554Lys; replaces methionine 554 with lysine.
Molecular consequence: missense variant.
Genome position (GRCh38, 1-based): chr5:80,744,513, T>A. VCF-style: chr5-80744513-T-A. GRCh37 (hg19) VCF-style: chr5-80040332-T-A.
Other names: short protein forms M554K.
Identifiers: ClinVar variation 1004952 (VCV001004952.12), dbSNP rs755514051, ClinGen allele CA360274631.